The following is an entry in ClinVar:

NC_000018.9:g.(?_58038584)_(58040587_?)del

Gene: MC4R (melanocortin 4 receptor; minus strand). Cytogenetic location: 18q21.32.
Variant type: Deletion.
Identifiers: ClinVar variation 3242797 (VCV003242797.1).

ClinVar aggregate classification (germline): Pathogenic (1 of 4 stars; one submission).

Submission:

Labcorp Genetics (formerly Invitae), Labcorp
Classification: Pathogenic. Last evaluated: 2023-03-17. Review status: criteria provided, single submitter. Criteria: Invitae Variant Classification Sherloc (09022015). Collection method: clinical testing. Allele origin: unknown.
Comment: For these reasons, this variant has been classified as Pathogenic. Isolated whole-gene deletions of MC4R have not been reported in the literature. However, larger copy number events that include this gene have been reported (PMID: 25747306, 27738543). A gross deletion of the genomic region encompassing the full coding sequence of the MC4R gene has been identified. Loss-of-function variants in MC4R are known to be pathogenic (PMID: 10903343, 12646665, 19091795). The boundaries of this event are unknown as they extend beyond the assayed region for this gene and therefore may encompass additional genes.

Literature cited by the submitters: PubMed 25747306; PubMed 27738543; PubMed 10903343; PubMed 12646665; PubMed 19091795.